The following is an entry in ClinVar:

NM_032043.3(BRIP1):c.2519del (p.Gly840fs)

Gene: BRIP1 (BRCA1 interacting DNA helicase 1; minus strand). Cytogenetic location: 17q23.2.
Variant type: Deletion.
Coding change: c.2519del on transcript NM_032043.3 (MANE Select); coding-DNA position 2519, one base deleted (G; older notation c.2519delG).
Protein change: p.Gly840fs; shifts the reading frame from glycine 840.
Molecular consequence: frameshift variant.
Genome position (GRCh38, 1-based): chr17:61,693,486, C deleted on the plus strand (G on the coding strand, the reverse complement: BRIP1 is on the minus strand); the first of 4 consecutive C bases (chr17:61,693,486-61,693,489); deleting any one gives the same sequence. VCF-style (leftmost placement, unchanged base first): chr17-61693485-TC-T. GRCh37 (hg19) VCF-style: chr17-59770846-TC-T.
Other names: c.2519delG (NM_032043.2); short protein forms G840fs.
Identifiers: ClinVar variation 1792497 (VCV001792497.3), dbSNP rs1555574796, ClinGen allele CA2580094483.

ClinVar aggregate classification (germline): Pathogenic. Review status: criteria provided, multiple submitters, no conflicts (2 of 4 stars). 2 submissions from 2 submitters: Pathogenic (2). Last evaluated 2024-01-29.

Conditions:
Hereditary cancer-predisposing syndrome. Also called: Hereditary Cancer Syndrome; Hereditary neoplastic syndrome; Tumor predisposition; Neoplastic Syndromes, Hereditary. Identifiers: Orphanet 140162, MedGen C0027672, MeSH D009386, MONDO:0015356.

Submissions (2):

Color Diagnostics, LLC DBA Color Health
Classification: Pathogenic for Hereditary cancer-predisposing syndrome. Last evaluated: 2024-01-29. Review status: criteria provided, single submitter. Criteria: ACMG Guidelines, 2015. Collection method: clinical testing. Allele origin: germline.
Comment: This variant deletes 1 nucleotide in exon 18/20 of the BRIP1 gene, creating a frameshift and premature translation stop signal. This variant is expected to result in an absent or non-functional protein product. To our knowledge, this variant has not been reported in individuals affected with BRIP1-related disorders in the literature. This variant has not been identified in the general population by the Genome Aggregation Database (gnomAD). Loss of BRIP1 function is a known mechanism of disease. Based on the available evidence, this variant is classified as Pathogenic.

Ambry Genetics
Classification: Pathogenic for Hereditary cancer-predisposing syndrome. Last evaluated: 2022-06-28. Review status: criteria provided, single submitter. Criteria: Ambry Variant Classification Scheme 2023. Collection method: clinical testing. Allele origin: germline.
Comment: The c.2519delG pathogenic mutation, located in coding exon 17 of the BRIP1 gene, results from a deletion of one nucleotide at nucleotide position 2519, causing a translational frameshift with a predicted alternate stop codon (p.G840Efs*5). This variant is considered to be rare based on population cohorts in the Genome Aggregation Database (gnomAD). This alteration is expected to result in loss of function by premature protein truncation or nonsense-mediated mRNA decay. As such, this alteration is interpreted as a disease-causing mutation.